The following is an entry in ClinVar:

ClinVar aggregate classification (germline): Uncertain significance. Review status: criteria provided, multiple submitters, no conflicts (2 of 4 stars). 2 submissions from 2 submitters: Uncertain significance (2). Last evaluated 2025-01-17.

Conditions:
Inborn genetic diseases. Identifiers: MedGen C0950123, MeSH D030342.

Allele frequency attached by ClinVar (database versions not stated): gnomAD 0.00001; gnomAD exomes 0.00001; TOPMed 0.00003.
gnomAD v4.1: 11 of 1,550,992 alleles (0.00071%); highest among the groups gnomAD compares: African/African-American, 0.0027%; no homozygotes.

Submissions (2):

Ambry Genetics
Classification: Uncertain significance for Inborn genetic diseases. Last evaluated: 2025-01-17. Review status: criteria provided, single submitter. Criteria: Ambry Variant Classification Scheme 2023. Collection method: clinical testing. Allele origin: germline.

Labcorp Genetics (formerly Invitae), Labcorp
Classification: Uncertain significance. Last evaluated: 2022-06-10. Review status: criteria provided, single submitter. Criteria: Invitae Variant Classification Sherloc (09022015). Collection method: clinical testing. Allele origin: germline.
Comment: In summary, the available evidence is currently insufficient to determine the role of this variant in disease. Therefore, it has been classified as a Variant of Uncertain Significance. Algorithms developed to predict the effect of missense changes on protein structure and function are either unavailable or do not agree on the potential impact of this missense change (SIFT: "Not Available"; PolyPhen-2: "Possibly Damaging"; Align-GVGD: "Not Available"). This variant has not been reported in the literature in individuals affected with UNC80-related conditions. This variant is not present in population databases (gnomAD no frequency). This sequence change replaces aspartic acid, which is acidic and polar, with glycine, which is neutral and non-polar, at codon 2285 of the UNC80 protein (p.Asp2285Gly).

NM_001371986.1(UNC80):c.7052A>G (p.Asp2351Gly)

Gene: UNC80 (unc-80 subunit of NALCN channel complex; plus strand). Cytogenetic location: 2q34.
Variant type: single nucleotide variant.
Coding change: c.7052A>G on transcript NM_001371986.1 (MANE Select); coding-DNA position 7052, A replaced by G.
Protein change: p.Asp2351Gly; replaces aspartic acid 2351 with glycine.
Molecular consequence: missense variant.
Genome position (GRCh38, 1-based): chr2:209,945,052, A>G. VCF-style: chr2-209945052-A-G. GRCh37 (hg19) VCF-style: chr2-210809776-A-G.
Other names: c.6854A>G (NM_032504.1); c.6854A>G, p.Asp2285Gly (NM_032504.2); c.6839A>G, p.Asp2280Gly (NM_182587.4); short protein forms D2351G, D2280G, D2285G.
Identifiers: ClinVar variation 1482910 (VCV001482910.9), dbSNP rs945037634, ClinGen allele CA65042985.